The following is an entry in ClinVar:

ClinVar aggregate classification (germline): Uncertain significance (1 of 4 stars; one submission).

gnomAD v4.1: 6 of 1,612,714 alleles (0.00037%); highest among the groups gnomAD compares: African/African-American, 0.0013%; no homozygotes.

Submission:

Women's Health and Genetics/Laboratory Corporation of America, LabCorp
Classification: Uncertain significance. Last evaluated: 2023-08-25. Review status: criteria provided, single submitter. Criteria: LabCorp Variant Classification Summary - May 2015. Collection method: clinical testing. Allele origin: germline.
Comment: Variant summary: CACNA1H c.770G>A (p.Arg257Gln) results in a conservative amino acid change located in the Ion transport domain (IPR005821) of the encoded protein sequence. Three of five in-silico tools predict a damaging effect of the variant on protein function. The variant was absent in 247832 control chromosomes (gnomAD). The available data on variant occurrences in the general population are insufficient to allow any conclusion about variant significance. To our knowledge, no occurrence of c.770G>A in individuals affected with Idiopathic Generalized Epilepsy and no experimental evidence demonstrating its impact on protein function have been reported. No submitters have cited clinical-significance assessments for this variant to ClinVar after 2014. Based on the evidence outlined above, the variant was classified as uncertain significance.

NM_021098.3(CACNA1H):c.770G>A (p.Arg257Gln)

Gene: CACNA1H (calcium voltage-gated channel subunit alpha1 H; plus strand). Cytogenetic location: 16p13.3.
Variant type: single nucleotide variant.
Coding change: c.770G>A on transcript NM_021098.3 (MANE Select); coding-DNA position 770, G replaced by A.
Protein change: p.Arg257Gln; replaces arginine 257 with glutamine.
Molecular consequence: missense variant.
Genome position (GRCh38, 1-based): chr16:1,198,741, G>A. VCF-style: chr16-1198741-G-A. GRCh37 (hg19) VCF-style: chr16-1248741-G-A.
Other names: c.770G>A, p.Arg257Gln (NM_001005407.2); short protein forms R257Q.
Identifiers: ClinVar variation 2581384 (VCV002581384.1), dbSNP rs758283392, ClinGen allele CA394155149.